The following is an entry in ClinVar:

ClinVar aggregate classification (germline): Uncertain significance (1 of 4 stars; one submission).

Allele frequency attached by ClinVar (database versions not stated): gnomAD exomes below 0.00001; ExAC 0.00001; gnomAD 0.00001.
gnomAD v4.1: 11 of 1,613,766 alleles (0.00068%); highest among the groups gnomAD compares: Non-Finnish European, 0.00076%; no homozygotes.

Submission:

Labcorp Genetics (formerly Invitae), Labcorp
Classification: Uncertain significance. Last evaluated: 2022-06-20. Review status: criteria provided, single submitter. Criteria: Invitae Variant Classification Sherloc (09022015). Collection method: clinical testing. Allele origin: germline.
Comment: In summary, the available evidence is currently insufficient to determine the role of this variant in disease. Therefore, it has been classified as a Variant of Uncertain Significance. Algorithms developed to predict the effect of missense changes on protein structure and function (SIFT, PolyPhen-2, Align-GVGD) all suggest that this variant is likely to be disruptive. This variant has not been reported in the literature in individuals affected with EXOSC9-related conditions. This variant is present in population databases (rs762848428, gnomAD 0.004%). This sequence change replaces serine, which is neutral and polar, with leucine, which is neutral and non-polar, at codon 113 of the EXOSC9 protein (p.Ser113Leu).

NM_005033.3(EXOSC9):c.338C>T (p.Ser113Leu)

Gene: EXOSC9 (exosome component 9; plus strand). Cytogenetic location: 4q27.
Variant type: single nucleotide variant.
Coding change: c.338C>T on transcript NM_005033.3 (MANE Select); coding-DNA position 338, C replaced by T.
Protein change: p.Ser113Leu; replaces serine 113 with leucine.
Molecular consequence: missense variant.
Genome position (GRCh38, 1-based): chr4:121,802,971, C>T. VCF-style: chr4-121802971-C-T. GRCh37 (hg19) VCF-style: chr4-122724126-C-T.
Other names: c.338C>T, p.Ser113Leu (NM_001034194.2); short protein forms S113L.
Identifiers: ClinVar variation 1462495 (VCV001462495.6), dbSNP rs762848428, ClinGen allele CA3063368.